The following is an entry in ClinVar:

NM_022482.5(GZF1):c.491G>A (p.Arg164Lys)

Gene: GZF1 (GDNF inducible zinc finger protein 1; plus strand). Cytogenetic location: 20p11.21.
Variant type: single nucleotide variant.
Coding change: c.491G>A on transcript NM_022482.5 (MANE Select); coding-DNA position 491, G replaced by A.
Protein change: p.Arg164Lys; replaces arginine 164 with lysine.
Molecular consequence: missense variant.
Genome position (GRCh38, 1-based): chr20:23,364,874, G>A. VCF-style: chr20-23364874-G-A. GRCh37 (hg19) VCF-style: chr20-23345511-G-A.
Other names: c.491G>A (NM_022482.4); c.491G>A, p.Arg164Lys (NM_001317012.2, NM_001317019.1); short protein forms R164K.
Identifiers: ClinVar variation 1033599 (VCV001033599.6), dbSNP rs139704196, ClinGen allele CA9788518.

ClinVar aggregate classification (germline): Uncertain significance. Review status: criteria provided, multiple submitters, no conflicts (2 of 4 stars). 3 submissions from 3 submitters: Uncertain significance (3). Last evaluated 2024-10-23.

Conditions:
GZF1-related disorder. Also called: GZF1-related condition.
Joint laxity, short stature, and myopia. Identifiers: Orphanet 527450, MedGen C4540020, MONDO:0060556, OMIM 617662.

Allele frequency attached by ClinVar (database versions not stated): ESP Exome Variant Server 0.00031; TOPMed 0.00040; gnomAD 0.00047 and 0.00056; gnomAD exomes 0.00004 and 0.00007; ExAC 0.00010; 1000 Genomes Project 30x 0.00016; 1000 Genomes Project 0.00020.
gnomAD v4.1: 137 of 1,614,198 alleles (0.0085%); highest among the groups gnomAD compares: African/African-American, 0.17%; no homozygotes.

Submissions (3):

PreventionGenetics, part of Exact Sciences
Classification: Uncertain significance for GZF1-related condition. Last evaluated: 2024-10-23. Review status: criteria provided, single submitter. Criteria: ACMG Guidelines, 2015. Collection method: clinical testing. Allele origin: germline.
Comment: The GZF1 c.491G>A variant is predicted to result in the amino acid substitution p.Arg164Lys. To our knowledge, this variant has not been reported in the literature. This variant is reported in 0.12% of alleles in individuals of African descent in gnomAD, which is more common than expected for a pathogenic variant in GZF1. Although we suspect that this variant may be benign, at this time, the clinical significance of this variant is uncertain due to the absence of conclusive functional and genetic evidence.

Labcorp Genetics (formerly Invitae), Labcorp
Classification: Uncertain significance. Last evaluated: 2023-05-08. Review status: criteria provided, single submitter. Criteria: Invitae Variant Classification Sherloc (09022015). Collection method: clinical testing. Allele origin: germline.
Comment: In summary, the available evidence is currently insufficient to determine the role of this variant in disease. Therefore, it has been classified as a Variant of Uncertain Significance. Algorithms developed to predict the effect of missense changes on protein structure and function output the following: SIFT: "Not Available"; PolyPhen-2: "Benign"; Align-GVGD: "Not Available". The lysine amino acid residue is found in multiple mammalian species, which suggests that this missense change does not adversely affect protein function. ClinVar contains an entry for this variant (Variation ID: 1033599). This variant has not been reported in the literature in individuals affected with GZF1-related conditions. This variant is present in population databases (rs139704196, gnomAD 0.1%). This sequence change replaces arginine, which is basic and polar, with lysine, which is basic and polar, at codon 164 of the GZF1 protein (p.Arg164Lys).

Baylor Genetics
Classification: Uncertain significance for Joint laxity, short stature, and myopia. Last evaluated: 2018-12-18. Review status: criteria provided, single submitter. Criteria: ACMG Guidelines, 2015. Collection method: clinical testing. Allele origin: maternal. Affected: yes.
Comment: This variant was determined to be of uncertain significance according to ACMG Guidelines, 2015 [PMID:25741868].